The following is an entry in ClinVar:

NM_020247.5(COQ8A):c.1383G>C (p.Gln461His)

Gene: COQ8A (coenzyme Q8A; plus strand). Cytogenetic location: 1q42.13.
Variant type: single nucleotide variant.
Coding change: c.1383G>C on transcript NM_020247.5 (MANE Select); coding-DNA position 1383, G replaced by C.
Protein change: p.Gln461His; replaces glutamine 461 with histidine.
Molecular consequence: missense variant.
Genome position (GRCh38, 1-based): chr1:226,984,220, G>C. VCF-style: chr1-226984220-G-C. GRCh37 (hg19) VCF-style: chr1-227171921-G-C.
Other names: short protein forms Q461H.
Identifiers: ClinVar variation 1426117 (VCV001426117.5), dbSNP rs747485279, ClinGen allele CA1425452.

ClinVar aggregate classification (germline): Uncertain significance (1 of 4 stars; one submission).

Allele frequency attached by ClinVar (database versions not stated): gnomAD exomes below 0.00001 and 0.00001; ExAC 0.00002.
gnomAD v4.1: 1 of 1,613,720 alleles (0.000062%); highest among the groups gnomAD compares: Non-Finnish European, 0.000085%; no homozygotes.

Submission:

Labcorp Genetics (formerly Invitae), Labcorp
Classification: Uncertain significance. Last evaluated: 2024-02-17. Review status: criteria provided, single submitter. Criteria: Invitae Variant Classification Sherloc (09022015). Collection method: clinical testing. Allele origin: germline.
Comment: This sequence change replaces glutamine, which is neutral and polar, with histidine, which is basic and polar, at codon 461 of the COQ8A protein (p.Gln461His). This variant is present in population databases (rs747485279, gnomAD 0.002%). This variant has not been reported in the literature in individuals affected with COQ8A-related conditions. ClinVar contains an entry for this variant (Variation ID: 1426117). Advanced modeling of protein sequence and biophysical properties (such as structural, functional, and spatial information, amino acid conservation, physicochemical variation, residue mobility, and thermodynamic stability) has been performed at Invitae for this missense variant, however the output from this modeling did not meet the statistical confidence thresholds required to predict the impact of this variant on COQ8A protein function. In summary, the available evidence is currently insufficient to determine the role of this variant in disease. Therefore, it has been classified as a Variant of Uncertain Significance.